The following is an entry in ClinVar:

NM_001048174.2(MUTYH):c.1414_1418inv (p.Gln472_Gln473delinsCysTrp)

Gene: MUTYH (mutY DNA glycosylase; minus strand). Cytogenetic location: 1p34.1.
Variant type: Inversion.
Coding change: c.1414_1418inv on transcript NM_001048174.2 (MANE Select).
Protein change: p.Gln472_Gln473delinsCysTrp.
Molecular consequence: missense variant. On other transcripts: non-coding transcript variant (2).
Genome position: GRCh38 VCF-style: chr1-45330532-TGTTG-CAACA. GRCh37 (hg19) VCF-style: chr1-45796204-TGTTG-CAACA.
Other names: c.1414_1418inv, p.Gln472_Gln473delinsCysTrp (NM_001048171.2, NM_001048173.2, NM_001293195.2); c.1417_1421inv, p.Gln473_Gln474delinsCysTrp (NM_001048172.2); c.1498_1502inv, p.Gln500_Gln501delinsCysTrp (NM_001128425.2); c.1459_1463inv, p.Gln487_Gln488delinsCysTrp (NM_001293190.2); c.1447_1451inv, p.Gln483_Gln484delinsCysTrp (NM_001293191.2); c.1138_1142inv, p.Gln380_Gln381delinsCysTrp (NM_001293192.2, NM_001293196.2); c.1069_1073inv, p.Gln357_Gln358delinsCysTrp (NM_001350650.2, NM_001350651.2); c.1489_1493inv, p.Gln497_Gln498delinsCysTrp (NM_012222.3); and 1 more.
Identifiers: ClinVar variation 216871 (VCV000216871.12), ClinGen allele CA338806.

ClinVar aggregate classification (germline): Uncertain significance. Review status: criteria provided, multiple submitters, no conflicts (2 of 4 stars). 2 submissions from 2 submitters: Uncertain significance (2). Last evaluated 2025-12-24.

Conditions:
Hereditary cancer-predisposing syndrome. Also called: Tumor predisposition; Hereditary Cancer Syndrome; Neoplastic Syndromes, Hereditary; Hereditary neoplastic syndrome. Identifiers: Orphanet 140162, MedGen C0027672, MeSH D009386, MONDO:0015356.
Familial adenomatous polyposis 2. Also called: MYH-associated polyposis; FAP type 2; ADENOMAS, MULTIPLE COLORECTAL, AUTOSOMAL RECESSIVE; MUTYH Polyposis; MUTYH-associated polyposis; MUTYH-related attenuated familial adenomatous polyposis. Identifiers: Orphanet 220460, Orphanet 247798, MedGen C3272841, MONDO:0012041, OMIM 608456.

Submissions (2):

Labcorp Genetics (formerly Invitae), Labcorp
Classification: Uncertain significance for Familial adenomatous polyposis 2. Last evaluated: 2025-12-24. Review status: criteria provided, single submitter. Criteria: Invitae Variant Classification Sherloc (09022015). Collection method: clinical testing. Allele origin: germline.
Comment: This variant, c.1498_1502delinsTGTTG, is a complex sequence change that results in the deletion of 2 and insertion of 2 amino acid(s) in the MUTYH protein (p.Gln500_Gln501delinsCysTrp). Information on the frequency of this variant in the gnomAD database is not available, as this variant may be reported differently in the database. This variant has not been reported in the literature in individuals affected with MUTYH-related conditions. ClinVar contains an entry for this variant (Variation ID: 216871). Experimental studies and prediction algorithms are not available or were not evaluated, and the functional significance of this variant is currently unknown. In summary, the available evidence is currently insufficient to determine the role of this variant in disease. Therefore, it has been classified as a Variant of Uncertain Significance.

Ambry Genetics
Classification: Uncertain significance for Hereditary cancer-predisposing syndrome. Last evaluated: 2024-07-01. Review status: criteria provided, single submitter. Criteria: Ambry Variant Classification Scheme 2023. Collection method: clinical testing. Allele origin: germline.
Comment: The c.1498_1502delCAACAinsTGTTG variant (also known as p.Q500_Q501delinsCW), located in coding exon 15 of the MUTYH gene, results from an in-frame deletion of CAACA and insertion of TGTTG at nucleotide positions 1498 to 1502. This results in the deletion of two glutamine residues and the insertion of cysteine and tryptophan residues between codons 500 and 501. This amino acid region is not well conserved in available vertebrate species. In addition, the in silico prediction for this alteration is inconclusive (Choi Y et al. PLoS ONE. 2012; 7(10):e46688). Based on the available evidence, the clinical significance of this variant remains unclear.